The following is an entry in ClinVar:

ClinVar aggregate classification (germline): Uncertain significance. Review status: criteria provided, multiple submitters, no conflicts (2 of 4 stars). 3 submissions from 3 submitters: Uncertain significance (3). Last evaluated 2025-11-13.

Conditions:
Mosaic variegated aneuploidy syndrome 2 (MVA2). Identifiers: Orphanet 1052, MedGen C3279843, MONDO:0013582, OMIM 614114.
Inborn genetic diseases. Identifiers: MedGen C0950123, MeSH D030342.

Allele frequency attached by ClinVar (database versions not stated): gnomAD 0.00001; TOPMed 0.00002; ExAC 0.00003; gnomAD exomes 0.00003.
gnomAD v4.1: 66 of 1,612,272 alleles (0.0041%); highest among the groups gnomAD compares: East Asian, 0.14%; no homozygotes.

Submissions (3):

Labcorp Genetics (formerly Invitae), Labcorp
Classification: Uncertain significance for Mosaic variegated aneuploidy syndrome 2. Last evaluated: 2025-11-13. Review status: criteria provided, single submitter. Criteria: Invitae Variant Classification Sherloc (09022015). Collection method: clinical testing. Allele origin: germline.
Comment: This sequence change replaces histidine, which is basic and polar, with tyrosine, which is neutral and polar, at codon 125 of the CEP57 protein (p.His125Tyr). This variant is present in population databases (rs751973626, gnomAD 0.03%). This variant has not been reported in the literature in individuals affected with CEP57-related conditions. ClinVar contains an entry for this variant (Variation ID: 539587). Invitae Evidence Modeling of protein sequence and biophysical properties (such as structural, functional, and spatial information, amino acid conservation, physicochemical variation, residue mobility, and thermodynamic stability) indicates that this missense variant is not expected to disrupt CEP57 protein function with a negative predictive value of 80%. In summary, the available evidence is currently insufficient to determine the role of this variant in disease. Therefore, it has been classified as a Variant of Uncertain Significance.

Ambry Genetics
Classification: Uncertain significance for Inborn genetic diseases. Last evaluated: 2024-11-24. Review status: criteria provided, single submitter. Criteria: Ambry Variant Classification Scheme 2023. Collection method: clinical testing. Allele origin: germline.
Comment: The p.H125Y variant (also known as c.373C>T), located in coding exon 3 of the CEP57 gene, results from a C to T substitution at nucleotide position 373. The histidine at codon 125 is replaced by tyrosine, an amino acid with similar properties. This amino acid position is conserved. In addition, this alteration is predicted to be tolerated by in silico analysis. Based on the available evidence, the clinical significance of this variant remains unclear.

Fulgent Genetics
Classification: Uncertain significance for Mosaic variegated aneuploidy syndrome 2. Last evaluated: 2024-04-10. Review status: criteria provided, single submitter. Criteria: ACMG Guidelines, 2015. Collection method: clinical testing. Allele origin: germline.

NM_014679.5(CEP57):c.373C>T (p.His125Tyr)

Gene: CEP57 (centrosomal protein 57; plus strand). Cytogenetic location: 11q21.
Variant type: single nucleotide variant.
Coding change: c.373C>T on transcript NM_014679.5 (MANE Select); coding-DNA position 373, C replaced by T.
Protein change: p.His125Tyr; replaces histidine 125 with tyrosine.
Molecular consequence: missense variant.
Genome position (GRCh38, 1-based): chr11:95,813,102, C>T. VCF-style: chr11-95813102-C-T. GRCh37 (hg19) VCF-style: chr11-95546266-C-T.
Other names: c.346C>T, p.His116Tyr (NM_001243776.2); c.373C>T, p.His125Tyr (NM_001243777.2); c.292C>T, p.His98Tyr (NM_001363604.2); short protein forms H125Y, H98Y, H116Y.
Identifiers: ClinVar variation 539587 (VCV000539587.10), dbSNP rs751973626, ClinGen allele CA6239438.